The following is an entry in ClinVar:

ClinVar aggregate classification (germline): Uncertain significance (1 of 4 stars; one submission).

Conditions:
Hereditary sensory and autonomic neuropathy type 7. Also called: Neuropathy, hereditary sensory and autonomic, type VII; HSAN VII. Identifiers: Orphanet 391397, MedGen C3809882, MONDO:0014244, OMIM 615548.
Familial episodic pain syndrome with predominantly lower limb involvement. Also called: Episodic pain syndrome, familial, 3. Identifiers: Orphanet 391384, Orphanet 391392, MedGen C3809899, MONDO:0014247, OMIM 615552.

Submission:

Labcorp Genetics (formerly Invitae), Labcorp
Classification: Uncertain significance for Familial episodic pain syndrome with predominantly lower limb involvement; Hereditary sensory and autonomic neuropathy type 7. Last evaluated: 2023-02-11. Review status: criteria provided, single submitter. Criteria: Invitae Variant Classification Sherloc (09022015). Collection method: clinical testing. Allele origin: germline.
Comment: This sequence change replaces leucine, which is neutral and non-polar, with phenylalanine, which is neutral and non-polar, at codon 1089 of the SCN11A protein (p.Leu1089Phe). This variant is not present in population databases (gnomAD no frequency). This variant has not been reported in the literature in individuals affected with SCN11A-related conditions. Advanced modeling of protein sequence and biophysical properties (such as structural, functional, and spatial information, amino acid conservation, physicochemical variation, residue mobility, and thermodynamic stability) performed at Invitae indicates that this missense variant is expected to disrupt SCN11A protein function. In summary, the available evidence is currently insufficient to determine the role of this variant in disease. Therefore, it has been classified as a Variant of Uncertain Significance.

NM_001349253.2(SCN11A):c.3267A>C (p.Leu1089Phe)

Gene: SCN11A (sodium voltage-gated channel alpha subunit 11; minus strand). Cytogenetic location: 3p22.2.
Variant type: single nucleotide variant.
Coding change: c.3267A>C on transcript NM_001349253.2 (MANE Select); coding-DNA position 3267, A replaced by C.
Protein change: p.Leu1089Phe; replaces leucine 1089 with phenylalanine.
Molecular consequence: missense variant.
Genome position (GRCh38, 1-based): chr3:38,880,076, T>G on the plus strand (A>C on the coding strand, the complement: SCN11A is on the minus strand). VCF-style: chr3-38880076-T-G. GRCh37 (hg19) VCF-style: chr3-38921567-T-G.
Other names: c.3267A>C, p.Leu1089Phe (NM_014139.3); short protein forms L1089F.
Identifiers: ClinVar variation 2944159 (VCV002944159.3), dbSNP rs1575238393, ClinGen allele CA352172755.
Genomic context (GRCh38, chr3:38,880,076, plus strand): 5'-CCATTTTAGTACCATCTCCAGGATAAAAATATGTGTAAAAATAATGTCAGTACAATTTAG[T>G]AATTCTTGGATTTTGGGTTGGTTCTCAAGGTGAACATCTTCAAATATCTGAAATGAAAAA-3'
Protein context (NP_001336182.1, residues 1079-1099): HLENQPKIQE[Leu1089Phe]LNCTDIIFTH